The following is an entry in ClinVar:

ClinVar aggregate classification (germline): Uncertain significance (1 of 4 stars; one submission).

Allele frequency attached by ClinVar (database versions not stated): TOPMed below 0.00001.

Submission:

Labcorp Genetics (formerly Invitae), Labcorp
Classification: Uncertain significance. Last evaluated: 2021-09-17. Review status: criteria provided, single submitter. Criteria: Invitae Variant Classification Sherloc (09022015). Collection method: clinical testing. Allele origin: germline.
Comment: This sequence change replaces cysteine with serine at codon 190 of the IFT52 protein (p.Cys190Ser). The cysteine residue is moderately conserved and there is a moderate physicochemical difference between cysteine and serine. This variant is not present in population databases (ExAC no frequency). This variant has not been reported in the literature in individuals affected with IFT52-related conditions. Algorithms developed to predict the effect of missense changes on protein structure and function are either unavailable or do not agree on the potential impact of this missense change (SIFT: "Not Available"; PolyPhen-2: "Benign"; Align-GVGD: "Not Available"). In summary, the available evidence is currently insufficient to determine the role of this variant in disease. Therefore, it has been classified as a Variant of Uncertain Significance.

NM_016004.5(IFT52):c.569G>C (p.Cys190Ser)

Gene: IFT52 (intraflagellar transport 52; plus strand). Cytogenetic location: 20q13.12.
Variant type: single nucleotide variant.
Coding change: c.569G>C on transcript NM_016004.5 (MANE Select); coding-DNA position 569, G replaced by C.
Protein change: p.Cys190Ser; replaces cysteine 190 with serine.
Molecular consequence: missense variant. On other transcripts: 5 prime UTR variant (2).
Genome position (GRCh38, 1-based): chr20:43,613,933, G>C. VCF-style: chr20-43613933-G-C. GRCh37 (hg19) VCF-style: chr20-42242573-G-C.
Other names: c.569G>C, p.Cys190Ser (NM_001303458.3, NM_001303459.3); c.41G>C, p.Cys14Ser (NM_001323578.2, NM_001323580.2); c.-196G>C (NM_001323579.2, NM_001323581.2); short protein forms C190S, C14S.
Identifiers: ClinVar variation 1389403 (VCV001389403.5), dbSNP rs1983652947, ClinGen allele CA409084631.